The following is an entry in ClinVar:

ClinVar aggregate classification (germline): Pathogenic. Review status: reviewed by expert panel (3 of 4 stars). 15 submissions from 15 submitters: Pathogenic (1). 14 of the submissions do not count toward it. Last evaluated 2016-09-08.

Conditions:
BRCA2-related cancer predisposition. Identifiers: MedGen CN377758, MONDO:0700269.
BRCA2-related disorder. Also called: BRCA2-related condition; BRCA2-related disorders. Identifiers: MedGen CN239275.
Hereditary cancer-predisposing syndrome. Also called: Hereditary Cancer Syndrome; Neoplastic Syndromes, Hereditary; Hereditary neoplastic syndrome; Tumor predisposition. Identifiers: Orphanet 140162, MedGen C0027672, MeSH D009386, MONDO:0015356.
Hereditary breast ovarian cancer syndrome. Also called: Hereditary breast and ovarian cancer syndrome; Breast and ovarian cancer; BRCA1- and BRCA2-Associated Hereditary Breast and Ovarian Cancer; Hereditary breast and/or ovarian cancer syndrome; Hereditary breast and ovarian cancer; Hereditary breast and ovarian cancer syndrome (HBOC). Identifiers: Orphanet 145, MedGen C0677776, MeSH D061325, MONDO:0003582. Disease mechanism: loss of function.
Breast-ovarian cancer, familial, susceptibility to, 2 (BROVCA2). Also called: BRCA2 Hereditary Breast and Ovarian Cancer. Identifiers: Orphanet 145, MedGen C2675520, MONDO:0012933, OMIM 612555. Disease mechanism: loss of function.
Familial cancer of breast. Also called: hereditary breast carcinoma; BREAST CANCER, FAMILIAL; Hereditary breast cancer. Identifiers: Orphanet 227535, MedGen C0346153, MONDO:0016419, OMIM 114480. Disease mechanism: loss of function.

Allele frequency attached by ClinVar (database versions not stated): gnomAD exomes below 0.00001.

Submissions 1 to 10 of 15:

Evidence-based Network for the Interpretation of Germline Mutant Alleles (ENIGMA)
Classification: Pathogenic for Breast-ovarian cancer, familial, susceptibility to, 2. Last evaluated: 2016-09-08. Review status: reviewed by expert panel. Criteria: ENIGMA BRCA1/2 Classification Criteria (2015). Collection method: curation. Allele origin: germline.
Comment: Variant allele predicted to encode a truncated non-functional protein.

Labcorp Genetics (formerly Invitae), Labcorp
Classification: Pathogenic for Hereditary breast ovarian cancer syndrome. Last evaluated: 2026-01-25. Review status: criteria provided, single submitter. Criteria: Invitae Variant Classification Sherloc (09022015). Collection method: clinical testing. Allele origin: germline. Not counted in ClinVar's aggregate classification.
Comment: This sequence change creates a premature translational stop signal (p.Ser552Profs*6) in the BRCA2 gene. It is expected to result in an absent or disrupted protein product. Loss-of-function variants in BRCA2 are known to be pathogenic (PMID: 20104584). This variant is not present in population databases (gnomAD no frequency). This premature translational stop signal has been observed in individual(s) with a personal and family history of breast cancer (PMID: 12942367). This variant is also known as 1882delT. ClinVar contains an entry for this variant (Variation ID: 51168). For these reasons, this variant has been classified as Pathogenic.

PreventionGenetics, part of Exact Sciences
Classification: Pathogenic for BRCA2-related condition. Last evaluated: 2025-12-27. Review status: criteria provided, single submitter. Criteria: ACMG Guidelines, 2015. Collection method: clinical testing. Allele origin: germline. Not counted in ClinVar's aggregate classification.
Comment: The BRCA2 c.1654delT variant is predicted to result in a frameshift and premature protein termination (p.Ser552Profs*6). This variant has been reported in multiple individuals with breast and/or ovarian cancer (Table 2, Kanaan et al. 2003. PubMed ID: 12942367; Table S7, Lilyquist et al. 2017. PubMed ID: 28888541; Rebbeck et al. 2018. PubMed ID: 29446198) and it has also been reported in an individual with prostate cancer (Table S7, Wu et al. 2020. PubMed ID: 31948886). This variant has not been reported in a large population database, indicating this variant is rare. This variant has been classified as pathogenic by an expert panel in the ClinVar database (Variation ID: 51168). Frameshift variants in BRCA2 are expected to be pathogenic. This variant is interpreted as pathogenic.

Ambry Genetics
Classification: Pathogenic for Hereditary cancer-predisposing syndrome. Last evaluated: 2025-09-25. Review status: criteria provided, single submitter. Criteria: Ambry Variant Classification Scheme 2023. Collection method: clinical testing. Allele origin: germline. Not counted in ClinVar's aggregate classification.
Comment: The c.1654delT pathogenic mutation, located in coding exon 9 of the BRCA2 gene, results from a deletion of one nucleotide at nucleotide position 1654, causing a translational frameshift with a predicted alternate stop codon (p.S552Pfs*6). This variant is considered to be rare based on population cohorts in the Genome Aggregation Database (gnomAD). This alteration is expected to result in loss of function by premature protein truncation or nonsense-mediated mRNA decay. As such, this alteration is interpreted as a disease-causing mutation.

GeneDx
Classification: Pathogenic. Last evaluated: 2024-11-22. Review status: criteria provided, single submitter. Criteria: GeneDx Variant Classification Process June 2021. Collection method: clinical testing. Allele origin: germline. Affected: yes. Not counted in ClinVar's aggregate classification.
Comment: Frameshift variant predicted to result in protein truncation or nonsense mediated decay in a gene for which loss of function is a known mechanism of disease; Observed in individuals with a personal or family history consistent with pathogenic variants in this gene (PMID: 12942367, 28888541, 31948886); Not observed at significant frequency in large population cohorts (gnomAD); Truncating variants in this gene are considered pathogenic by a well-established clinical consortium and/or database; Also known as 1882delT; This variant is associated with the following publications: (PMID: 12942367, 29446198, 20104584, 31948886, 28888541, 12491487, 31853058)

Quest Diagnostics Nichols Institute San Juan Capistrano
Classification: Pathogenic. Last evaluated: 2024-11-20. Review status: criteria provided, single submitter. Criteria: Quest Diagnostics criteria. Collection method: clinical testing. Allele origin: unknown. Not counted in ClinVar's aggregate classification.
Comment: The BRCA2 c.1654del (p.Ser552Profs*6) variant (also known as 1882delT) alters the translational reading frame of the BRCA2 mRNA and causes the premature termination of BRCA2 protein synthesis. This variant has been reported in the published literature in individuals with breast (PMID: 12942367 (2003)), ovarian (PMID: 28888541 (2017)), and prostate cancer (PMID: 31948886 (2020)). This variant has not been reported in large, multi-ethnic general populations (Genome Aggregation Database). Based on the available information, this variant is classified as pathogenic.

All of Us Research Program, National Institutes of Health
Classification: Pathogenic for BRCA2-related cancer predisposition. Last evaluated: 2024-09-16. Review status: criteria provided, single submitter. Criteria: ACMG Guidelines, 2015. Collection method: clinical testing. Allele origin: germline. Inheritance: Autosomal dominant inheritance. Observed: 2 variant alleles, 2 heterozygotes. Not counted in ClinVar's aggregate classification.
Comment: This variant deletes 1 nucleotide in exon 10 of the BRCA2 gene, creating a frameshift and premature translation stop signal. This variant is expected to result in an absent or non-functional protein product. This variant has been reported in individuals affected with breast cancer (PMID: 12942367, 33471991; Leiden Open Variation Database DB-ID BRCA2_004255) and in four families among the CIMBA participants (PMID: 29446198, 32614418). This variant has not been identified in the general population by the Genome Aggregation Database (gnomAD). Loss of BRCA2 function is a known mechanism of disease. Based on the available evidence, this variant is classified as Pathogenic.

This study involves interpretation of variants in research participants for the purpose of population health screening. Participant phenotype was not available at the time of variant classification. Additional details can be found in publication PMID: 35346344, PMCID: PMC8962531

Color Diagnostics, LLC DBA Color Health
Classification: Pathogenic for Hereditary cancer-predisposing syndrome. Last evaluated: 2024-03-29. Review status: criteria provided, single submitter. Criteria: ACMG Guidelines, 2015. Collection method: clinical testing. Allele origin: germline. Not counted in ClinVar's aggregate classification.
Comment: This variant deletes 1 nucleotide in exon 10 of the BRCA2 gene, creating a frameshift and premature translation stop signal. This variant is expected to result in an absent or non-functional protein product. This variant has been reported in individuals affected with breast cancer (PMID: 12942367, 33471991; Leiden Open Variation Database DB-ID BRCA2_004255) and in four families among the CIMBA participants (PMID: 29446198, 32614418). This variant has not been identified in the general population by the Genome Aggregation Database (gnomAD). Loss of BRCA2 function is a known mechanism of disease. Based on the available evidence, this variant is classified as Pathogenic.

Baylor Genetics
Classification: Pathogenic for Familial cancer of breast. Last evaluated: 2021-01-06. Review status: criteria provided, single submitter. Criteria: ACMG Guidelines, 2015. Collection method: clinical testing. Allele origin: unknown. Not counted in ClinVar's aggregate classification.

Women's Health and Genetics/Laboratory Corporation of America, LabCorp
Classification: Pathogenic for Hereditary breast and ovarian cancer syndrome. Last evaluated: 2020-10-22. Review status: criteria provided, single submitter. Criteria: LabCorp Variant Classification Summary - May 2015. Collection method: clinical testing. Allele origin: germline. Not counted in ClinVar's aggregate classification.
Comment: Variant summary: BRCA2 c.1654delT (p.Ser552ProfsX6) results in a premature termination codon, predicted to cause a truncation of the encoded protein or absence of the protein due to nonsense mediated decay, which are commonly known mechanisms for disease. Truncations downstream of this position have been classified as pathogenic by our laboratory. The variant was absent in 251162 control chromosomes. c.1654delT has been reported in the literature in multiple individuals affected with Hereditary Breast And Ovarian Cancer Syndrome (Kanaan_2003, Rebbeck_2018, Wu_2020). Five clinical diagnostic laboratories have submitted clinical-significance assessments for this variant to ClinVar after 2014 without evidence for independent evaluation. All laboratories classified the variant as pathogenic. Based on the evidence outlined above, the variant was classified as pathogenic.

NM_000059.4(BRCA2):c.1654del (p.Ser552fs)

Gene: BRCA2 (BRCA2 DNA repair associated; plus strand). Cytogenetic location: 13q13.1.
Variant type: Deletion.
Coding change: c.1654del on transcript NM_000059.4 (MANE Select); coding-DNA position 1654, one base deleted (T; older notation c.1654delT).
Protein change: p.Ser552fs; shifts the reading frame from serine 552.
Molecular consequence: frameshift variant.
Genome position (GRCh38, 1-based): chr13:32,333,132, T deleted. VCF-style (leftmost placement, unchanged base first): chr13-32333131-CT-C. GRCh37 (hg19) VCF-style: chr13-32907268-CT-C.
Other names: 1882delT; c.1654delT (NM_000059.3).
Identifiers: ClinVar variation 51168 (VCV000051168.34), dbSNP rs80359297, ClinGen allele CA012798.